The following is an entry in ClinVar:

NM_000368.5(TSC1):c.3143C>T (p.Pro1048Leu)

Gene: TSC1 (TSC complex subunit 1; minus strand). Cytogenetic location: 9q34.13.
Variant type: single nucleotide variant.
Coding change: c.3143C>T on transcript NM_000368.5 (MANE Select); coding-DNA position 3143, C replaced by T.
Protein change: p.Pro1048Leu; replaces proline 1048 with leucine.
Molecular consequence: missense variant.
Genome position (GRCh38, 1-based): chr9:132,896,587, G>A on the plus strand (C>T on the coding strand, the complement: TSC1 is on the minus strand). VCF-style: chr9-132896587-G-A. GRCh37 (hg19) VCF-style: chr9-135771974-G-A.
Other names: c.3140C>T, p.Pro1047Leu (NM_001162426.2); c.2990C>T, p.Pro997Leu (NM_001162427.2); c.2780C>T, p.Pro927Leu (NM_001362177.2); short protein forms P1048L, P997L, P1047L, P927L.
Identifiers: ClinVar variation 534411 (VCV000534411.10), dbSNP rs1203864892, ClinGen allele CA375367259.

ClinVar aggregate classification (germline): Uncertain significance. Review status: criteria provided, multiple submitters, no conflicts (2 of 4 stars). 4 submissions from 4 submitters: Uncertain significance (4). Last evaluated 2025-01-23.

Conditions:
Hereditary cancer-predisposing syndrome. Also called: Neoplastic Syndromes, Hereditary; Hereditary neoplastic syndrome; Tumor predisposition; Hereditary Cancer Syndrome. Identifiers: Orphanet 140162, MedGen C0027672, MeSH D009386, MONDO:0015356.
Tuberous sclerosis syndrome (TSC). Also called: Tuberous Sclerosis Complex; Tuberous sclerosis. Identifiers: Orphanet 805, MedGen C0041341, MONDO:0001734.
Isolated focal cortical dysplasia type II (FCORD2). Also called: CORTICAL DYSPLASIA OF TAYLOR; Focal cortical dysplasia type II. Identifiers: Orphanet 268994, MedGen C1846385, MONDO:0011818, OMIM 607341, HP:0032051.
Tuberous sclerosis 1 (TSC1). Identifiers: Orphanet 805, MedGen C1854465, MONDO:0008612, OMIM 191100.
Lymphangiomyomatosis (LAM). Also called: Lymphangioleiomyomatosis; Lymphangioleiomyomatosis, somatic. Identifiers: Orphanet 538, MedGen C0751674, MONDO:0011705, OMIM 606690.

Allele frequency attached by ClinVar (database versions not stated): gnomAD exomes below 0.00001; TOPMed 0.00001.

Submissions (4):

Labcorp Genetics (formerly Invitae), Labcorp
Classification: Uncertain significance for Tuberous sclerosis 1. Last evaluated: 2025-01-23. Review status: criteria provided, single submitter. Criteria: Invitae Variant Classification Sherloc (09022015). Collection method: clinical testing. Allele origin: germline.
Comment: This sequence change replaces proline, which is neutral and non-polar, with leucine, which is neutral and non-polar, at codon 1048 of the TSC1 protein (p.Pro1048Leu). This variant is not present in population databases (gnomAD no frequency). This variant has not been reported in the literature in individuals affected with TSC1-related conditions. ClinVar contains an entry for this variant (Variation ID: 534411). Invitae Evidence Modeling of protein sequence and biophysical properties (such as structural, functional, and spatial information, amino acid conservation, physicochemical variation, residue mobility, and thermodynamic stability) indicates that this missense variant is not expected to disrupt TSC1 protein function with a negative predictive value of 95%. In summary, the available evidence is currently insufficient to determine the role of this variant in disease. Therefore, it has been classified as a Variant of Uncertain Significance.

All of Us Research Program, National Institutes of Health
Classification: Uncertain significance for Tuberous sclerosis syndrome. Last evaluated: 2024-08-06. Review status: criteria provided, single submitter. Criteria: ACMG Guidelines, 2015. Collection method: clinical testing. Allele origin: germline. Inheritance: Autosomal dominant inheritance. Observed: 1 variant allele, 1 heterozygote.
Comment: This study involves interpretation of variants in research participants for the purpose of population health screening. Participant phenotype was not available at the time of variant classification. Additional details can be found in publication PMID: 35346344, PMCID: PMC8962531

Ambry Genetics
Classification: Uncertain significance for Hereditary cancer-predisposing syndrome. Last evaluated: 2023-03-17. Review status: criteria provided, single submitter. Criteria: Ambry Variant Classification Scheme 2023. Collection method: clinical testing. Allele origin: germline.
Comment: The p.P1048L variant (also known as c.3143C>T), located in coding exon 21 of the TSC1 gene, results from a C to T substitution at nucleotide position 3143. The proline at codon 1048 is replaced by leucine, an amino acid with similar properties. This amino acid position is conserved. In addition, the in silico prediction for this alteration is inconclusive. Since supporting evidence is limited at this time, the clinical significance of this alteration remains unclear.

Fulgent Genetics
Classification: Uncertain significance for Tuberous sclerosis 1; Lymphangiomyomatosis; Isolated focal cortical dysplasia type II. Last evaluated: 2022-01-04. Review status: criteria provided, single submitter. Criteria: ACMG Guidelines, 2015. Collection method: clinical testing. Allele origin: unknown.